The following is an entry in ClinVar:

ClinVar aggregate classification (germline): Benign/Likely benign. Review status: criteria provided, multiple submitters, no conflicts (2 of 4 stars). 3 submissions from 3 submitters: Benign (1); Likely benign (2). Last evaluated 2025-05-15.

Allele frequency attached by ClinVar (database versions not stated): gnomAD exomes 0.00119 and 0.00321; ExAC 0.00421; 1000 Genomes Project 30x 0.01515; 1000 Genomes Project 0.01398; ESP Exome Variant Server 0.01453; TOPMed 0.01479; gnomAD 0.01481 and 0.01382.
gnomAD v4.1: 3,801 of 1,529,348 alleles (0.25%); highest among the groups gnomAD compares: African/African-American, 4.7%; 78 homozygotes.

Submissions (3):

GeneDx
Classification: Likely benign. Last evaluated: 2025-05-15. Review status: criteria provided, single submitter. Criteria: GeneDx Variant Classification Process June 2021. Collection method: clinical testing. Allele origin: germline. Affected: yes.
Comment: See Variant Classification Assertion Criteria.

Mayo Clinic Laboratories, Mayo Clinic
Classification: Benign. Last evaluated: 2023-09-19. Review status: criteria provided, single submitter. Criteria: ACMG Guidelines, 2015. Collection method: clinical testing. Allele origin: germline. Observed: 4 variant alleles.
Comment: BA1, BP4, BP7

Breakthrough Genomics
Classification: Likely benign. Review status: criteria provided, single submitter. Criteria: ACMG Guidelines, 2015. Collection method: not provided. Allele origin: germline. Inheritance: Autosomal recessive inheritance. Affected: yes.

NM_015135.3(NUP205):c.*6C>T

Gene: NUP205 (nucleoporin 205; plus strand). Cytogenetic location: 7q33.
Variant type: single nucleotide variant.
Coding change: c.*6C>T on transcript NM_015135.3 (MANE Select); 6 bases downstream of the stop codon, C replaced by T.
Molecular consequence: 3 prime UTR variant.
Genome position (GRCh38, 1-based): chr7:135,648,562, C>T. VCF-style: chr7-135648562-C-T. GRCh37 (hg19) VCF-style: chr7-135333310-C-T.
Other names: c.*6C>T (NM_001329434.2).
Identifiers: ClinVar variation 1317262 (VCV001317262.6), dbSNP rs114786864, ClinGen allele CA4499359.